The following is an entry in ClinVar:

NM_024675.4(PALB2):c.774dup (p.Ser259Ter)

Gene: PALB2 (partner and localizer of BRCA2; minus strand). Cytogenetic location: 16p12.2.
Variant type: Duplication.
Coding change: c.774dup on transcript NM_024675.4 (MANE Select); coding-DNA position 774, one base duplicated (T; older notation c.774dupT).
Protein change: p.Ser259Ter; replaces serine 259 with a stop codon.
Molecular consequence: nonsense. On other transcripts: 5 prime UTR variant (8), intron variant (3), frameshift variant (1).
Genome position (GRCh38, 1-based): chr16:23,635,772, A duplicated on the plus strand (T on the coding strand, the reverse complement: PALB2 is on the minus strand). VCF-style (leftmost placement, unchanged base first): chr16-23635771-T-TA. GRCh37 (hg19) VCF-style: chr16-23647092-T-TA.
Other names: c.714dup, p.Ser239Ter (NM_001407296.1); c.774dup, p.Ser259Ter (NM_001407297.1, NM_001407298.1, NM_001407299.1 and 3 more transcripts); c.-112dup (NM_001407304.1, NM_001407305.1, NM_001407306.1 and 5 more transcripts); c.48+5338dup (NM_001407314.1); c.-104-5303dup (NM_001407313.1, NM_001407312.1); c.774dupT (NM_024675.3); short protein forms S239*, S259*.
Identifiers: ClinVar variation 2506056 (VCV002506056.1), dbSNP rs2506500182, ClinGen allele CA2580612739.
Genomic context (GRCh38, chr16:23,635,771, plus strand): 5'-TTAGGTCGTGAGTAGTAAGTTCACTGCTACCTTTAGGAGGAATGTGTTCAAGGTGCTGAC[T>TA]ACTACCGCTATCTGATAGAGTCTGTAAAGGAACTGTAGTCGCCCTGGTGAAATTAGGTCT-3'

ClinVar aggregate classification (germline): Pathogenic (1 of 4 stars; one submission).

Conditions:
Hereditary breast ovarian cancer syndrome. Also called: BRCA1- and BRCA2-Associated Hereditary Breast and Ovarian Cancer; Hereditary breast and ovarian cancer syndrome (HBOC); Breast and ovarian cancer; Hereditary breast and ovarian cancer syndrome; Hereditary breast and/or ovarian cancer syndrome; Hereditary breast and ovarian cancer. Identifiers: Orphanet 145, MedGen C0677776, MeSH D061325, MONDO:0003582. Disease mechanism: loss of function.

Submission:

Women's Health and Genetics/Laboratory Corporation of America, LabCorp
Classification: Pathogenic for Hereditary breast ovarian cancer syndrome. Last evaluated: 2023-05-08. Review status: criteria provided, single submitter. Criteria: LabCorp Variant Classification Summary - May 2015. Collection method: clinical testing. Allele origin: germline.
Comment: Variant summary: PALB2 c.774dupT (p.Ser259X) results in a premature termination codon, predicted to cause a truncation of the encoded protein or absence of the protein due to nonsense mediated decay, which are commonly known mechanisms for disease. The variant was absent in 251392 control chromosomes (gnomAD). To our knowledge, no occurrence of c.774dupT in individuals affected with Hereditary Breast And Ovarian Cancer Syndrome and no experimental evidence demonstrating its impact on protein function have been reported. No clinical diagnostic laboratories have submitted clinical-significance assessments for this variant to ClinVar after 2014. Based on the evidence outlined above, the variant was classified as pathogenic.